The following is an entry in ClinVar:

ClinVar aggregate classification (germline): Uncertain significance. Review status: criteria provided, multiple submitters, no conflicts (2 of 4 stars). 2 submissions from 2 submitters: Uncertain significance (2). Last evaluated 2025-07-03.

Conditions:
Epidermolysis bullosa simplex 5C, with pyloric atresia (EBS5C). Also called: PLEC-Related Epidermolysis Bullosa with Pyloric Atresia; Epidermolysis bullosa simplex with pyloric atresia; PLEC1-Related Epidermolysis Bullosa with Pyloric Atresia. Identifiers: Orphanet 158684, MedGen C2677349, MONDO:0012807, OMIM 612138.
Epidermolysis bullosa simplex with nail dystrophy (EBS5D). Identifiers: MedGen C4225309, MONDO:0014661, OMIM 616487.
Epidermolysis bullosa simplex 5B, with muscular dystrophy (EBS5B). Also called: EPIDERMOLYSIS BULLOSA SIMPLEX AND LIMB-GIRDLE MUSCULAR DYSTROPHY; Epidermolysis bullosa simplex with muscular dystrophy. Identifiers: Orphanet 257, MedGen C2931072, MONDO:0009181, OMIM 226670.
Epidermolysis bullosa simplex, Ogna type (EBS5A). Also called: Pidermolysis bullosa simplex 5A, Ogna type; EPIDERMOLYSIS BULLOSA SIMPLEX 5A, OGNA TYPE. Identifiers: Orphanet 79401, MedGen C0432317, MONDO:0007555, OMIM 131950.
Autosomal recessive limb-girdle muscular dystrophy type 2Q (LGMDR17). Also called: MUSCULAR DYSTROPHY, LIMB-GIRDLE, AUTOSOMAL RECESSIVE 17. Identifiers: Orphanet 254361, MedGen C3150989, MONDO:0013390, OMIM 613723.

Allele frequency attached by ClinVar (database versions not stated): gnomAD 0.00001; gnomAD exomes 0.00001; ExAC 0.00009.
gnomAD v4.1: 14 of 1,533,760 alleles (0.00091%); highest among the groups gnomAD compares: Non-Finnish European, 0.0011%; no homozygotes.

Submissions (2):

Revvity Omics, Revvity
Classification: Uncertain significance. Last evaluated: 2025-07-03. Review status: criteria provided, single submitter. Criteria: ACMG Guidelines, 2015. Collection method: clinical testing. Allele origin: germline.

Labcorp Genetics (formerly Invitae), Labcorp
Classification: Uncertain significance for Autosomal recessive limb-girdle muscular dystrophy type 2Q; Epidermolysis bullosa simplex, Ogna type; Epidermolysis bullosa simplex with nail dystrophy; Epidermolysis bullosa simplex 5C, with pyloric atresia; Epidermolysis bullosa simplex 5B, with muscular dystrophy. Last evaluated: 2022-05-21. Review status: criteria provided, single submitter. Criteria: Invitae Variant Classification Sherloc (09022015). Collection method: clinical testing. Allele origin: germline.
Comment: In summary, the available evidence is currently insufficient to determine the role of this variant in disease. Therefore, it has been classified as a Variant of Uncertain Significance. Algorithms developed to predict the effect of sequence changes on RNA splicing suggest that this variant may create or strengthen a splice site. Algorithms developed to predict the effect of missense changes on protein structure and function are either unavailable or do not agree on the potential impact of this missense change (SIFT: "Tolerated"; PolyPhen-2: "Not Available"; Align-GVGD: "Class C0"). This variant has not been reported in the literature in individuals affected with PLEC-related conditions. This variant is present in population databases (rs782295797, gnomAD 0.003%). This sequence change replaces leucine, which is neutral and non-polar, with valine, which is neutral and non-polar, at codon 1742 of the PLEC protein (p.Leu1742Val).

NM_201384.3(PLEC):c.5143T>G (p.Leu1715Val)

Gene: PLEC (plectin; minus strand). Cytogenetic location: 8q24.3.
Variant type: single nucleotide variant.
Coding change: c.5143T>G on transcript NM_201384.3 (MANE Select); coding-DNA position 5143, T replaced by G.
Protein change: p.Leu1715Val; replaces leucine 1715 with valine.
Molecular consequence: missense variant.
Genome position (GRCh38, 1-based): chr8:143,924,786, A>C on the plus strand (T>G on the coding strand, the complement: PLEC is on the minus strand). VCF-style: chr8-143924786-A-C. GRCh37 (hg19) VCF-style: chr8-144998954-A-C.
Other names: c.5155T>G, p.Leu1719Val (NM_201383.3); c.5224T>G, p.Leu1742Val (NM_000445.5); c.5101T>G, p.Leu1701Val (NM_201378.4); c.5077T>G, p.Leu1693Val (NM_201379.3); c.5554T>G, p.Leu1852Val (NM_201380.4); c.5047T>G, p.Leu1683Val (NM_201381.3); c.5143T>G, p.Leu1715Val (NM_201382.4); c.5224T>G (NM_000445.3); short protein forms L1683V, L1701V, L1742V, L1693V, L1715V, L1852V, L1719V.
Identifiers: ClinVar variation 2077116 (VCV002077116.7), dbSNP rs782295797, ClinGen allele CA4926417.